The following is an entry in ClinVar:

ClinVar aggregate classification (germline): Conflicting classifications of pathogenicity. Review status: criteria provided, conflicting classifications (1 of 4 stars). 3 submissions from 3 submitters: Uncertain significance (2); Likely benign (1). Last evaluated 2025-09-15.

Conditions:
Epidermolysis bullosa simplex 5C, with pyloric atresia (EBS5C). Also called: PLEC-Related Epidermolysis Bullosa with Pyloric Atresia; Epidermolysis bullosa simplex with pyloric atresia; PLEC1-Related Epidermolysis Bullosa with Pyloric Atresia. Identifiers: Orphanet 158684, MedGen C2677349, MONDO:0012807, OMIM 612138.
Autosomal recessive limb-girdle muscular dystrophy type 2Q (LGMDR17). Also called: MUSCULAR DYSTROPHY, LIMB-GIRDLE, AUTOSOMAL RECESSIVE 17. Identifiers: Orphanet 254361, MedGen C3150989, MONDO:0013390, OMIM 613723.
Epidermolysis bullosa simplex 5B, with muscular dystrophy (EBS5B). Also called: Epidermolysis bullosa simplex with muscular dystrophy; EPIDERMOLYSIS BULLOSA SIMPLEX AND LIMB-GIRDLE MUSCULAR DYSTROPHY. Identifiers: Orphanet 257, MedGen C2931072, MONDO:0009181, OMIM 226670.
Epidermolysis bullosa simplex, Ogna type (EBS5A). Also called: Pidermolysis bullosa simplex 5A, Ogna type; EPIDERMOLYSIS BULLOSA SIMPLEX 5A, OGNA TYPE. Identifiers: Orphanet 79401, MedGen C0432317, MONDO:0007555, OMIM 131950.
Epidermolysis bullosa simplex with nail dystrophy (EBS5D). Identifiers: MedGen C4225309, MONDO:0014661, OMIM 616487.
Inborn genetic diseases. Identifiers: MedGen C0950123, MeSH D030342.

Allele frequency attached by ClinVar (database versions not stated): gnomAD exomes 0.00001 and 0.00003; gnomAD 0.00007 and 0.00008; TOPMed 0.00008; ExAC 0.00013.
gnomAD v4.1: 29 of 1,539,098 alleles (0.0019%); highest among the groups gnomAD compares: Middle Eastern, 0.035%; no homozygotes.

Submissions (3):

Labcorp Genetics (formerly Invitae), Labcorp
Classification: Uncertain significance for Autosomal recessive limb-girdle muscular dystrophy type 2Q; Epidermolysis bullosa simplex, Ogna type; Epidermolysis bullosa simplex with nail dystrophy; Epidermolysis bullosa simplex 5C, with pyloric atresia; Epidermolysis bullosa simplex 5B, with muscular dystrophy. Last evaluated: 2025-09-15. Review status: criteria provided, single submitter. Criteria: Invitae Variant Classification Sherloc (09022015). Collection method: clinical testing. Allele origin: germline.
Comment: This sequence change replaces arginine, which is basic and polar, with cysteine, which is neutral and slightly polar, at codon 1824 of the PLEC protein (p.Arg1824Cys). The frequency data for this variant in the population databases is considered unreliable, as metrics indicate poor data quality at this position in the gnomAD database. This missense change has been observed in individual(s) with autosomal dominant epidermolysis bullosa (PMID: 38368142). ClinVar contains an entry for this variant (Variation ID: 515703). Invitae Evidence Modeling of protein sequence and biophysical properties (such as structural, functional, and spatial information, amino acid conservation, physicochemical variation, residue mobility, and thermodynamic stability) indicates that this missense variant is not expected to disrupt PLEC protein function with a negative predictive value of 80%. In summary, the available evidence is currently insufficient to determine the role of this variant in disease. Therefore, it has been classified as a Variant of Uncertain Significance.

Ambry Genetics
Classification: Uncertain significance for Inborn genetic diseases. Last evaluated: 2021-09-17. Review status: criteria provided, single submitter. Criteria: Ambry Variant Classification Scheme 2023. Collection method: clinical testing. Allele origin: germline.

GeneDx
Classification: Likely benign. Last evaluated: 2019-09-20. Review status: criteria provided, single submitter. Criteria: GeneDx Variant Classification Process June 2021. Collection method: clinical testing. Allele origin: germline. Affected: yes.

Literature cited by the submitters: PubMed 38368142 (cited by Labcorp Genetics (formerly Invitae), Labcorp).

NM_201384.3(PLEC):c.5389C>T (p.Arg1797Cys)

Gene: PLEC (plectin; minus strand). Cytogenetic location: 8q24.3.
Variant type: single nucleotide variant.
Coding change: c.5389C>T on transcript NM_201384.3 (MANE Select); coding-DNA position 5389, C replaced by T.
Protein change: p.Arg1797Cys; replaces arginine 1797 with cysteine.
Molecular consequence: missense variant.
Genome position (GRCh38, 1-based): chr8:143,924,540, G>A on the plus strand (C>T on the coding strand, the complement: PLEC is on the minus strand). VCF-style: chr8-143924540-G-A. GRCh37 (hg19) VCF-style: chr8-144998708-G-A.
Other names: c.5470C>T, p.Arg1824Cys (NM_000445.5); c.5347C>T, p.Arg1783Cys (NM_201378.4); c.5323C>T, p.Arg1775Cys (NM_201379.3); c.5800C>T, p.Arg1934Cys (NM_201380.4); c.5293C>T, p.Arg1765Cys (NM_201381.3); c.5389C>T, p.Arg1797Cys (NM_201382.4); c.5401C>T, p.Arg1801Cys (NM_201383.3); short protein forms R1765C, R1775C, R1783C, R1797C, R1801C, R1824C, R1934C.
Identifiers: ClinVar variation 515703 (VCV000515703.12), dbSNP rs782175669, ClinGen allele CA4926376.